The following is an entry in ClinVar:

ClinVar aggregate classification (germline): Uncertain significance. Review status: criteria provided, multiple submitters, no conflicts (2 of 4 stars). 2 submissions from 2 submitters: Uncertain significance (2). Last evaluated 2022-02-08.

Conditions:
Developmental and epileptic encephalopathy, 12 (DEE12). Identifiers: MedGen C3150988, MONDO:0013389, OMIM 613722.

Allele frequency attached by ClinVar (database versions not stated): TOPMed below 0.00001.
gnomAD v4.1: 6 of 1,613,898 alleles (0.00037%); highest among the groups gnomAD compares: Non-Finnish European, 0.00051%; no homozygotes.

Submissions (2):

Labcorp Genetics (formerly Invitae), Labcorp
Classification: Uncertain significance for Developmental and epileptic encephalopathy, 12. Last evaluated: 2022-02-08. Review status: criteria provided, single submitter. Criteria: Invitae Variant Classification Sherloc (09022015). Collection method: clinical testing. Allele origin: germline.
Comment: In summary, the available evidence is currently insufficient to determine the role of this variant in disease. Therefore, it has been classified as a Variant of Uncertain Significance. Variants that disrupt the consensus splice site are a relatively common cause of aberrant splicing (PMID: 17576681, 9536098). Algorithms developed to predict the effect of sequence changes on RNA splicing suggest that this variant may disrupt the consensus splice site. ClinVar contains an entry for this variant (Variation ID: 1219547). This variant has not been reported in the literature in individuals affected with PNKP-related conditions. This variant is not present in population databases (gnomAD no frequency). This sequence change falls in intron 12 of the PNKP gene. It does not directly change the encoded amino acid sequence of the PNKP protein. It affects a nucleotide within the consensus splice site.

GeneDx
Classification: Uncertain significance. Last evaluated: 2020-03-02. Review status: criteria provided, single submitter. Criteria: GeneDx Variant Classification Process June 2021. Collection method: clinical testing. Allele origin: germline. Affected: yes.
Comment: Not observed in large population cohorts (Lek et al., 2016); Intronic +5 splice site variant in a gene for which loss-of-function is a known mechanism of disease, and both splice predictors and evolutionary conservation support a deleterious effect, although in the absence of functional evidence the actual effect of this sequence change is unknown.; Has not been previously published as pathogenic or benign to our knowledge

Literature cited by the submitters: PubMed 17576681 (cited by Labcorp Genetics (formerly Invitae), Labcorp); PubMed 9536098 (cited by Labcorp Genetics (formerly Invitae), Labcorp).

NM_007254.4(PNKP):c.1126+5G>C

Gene: PNKP (polynucleotide kinase 3'-phosphatase; minus strand). Cytogenetic location: 19q13.33.
Variant type: single nucleotide variant.
Coding change: c.1126+5G>C on transcript NM_007254.4 (MANE Select); 5 bases into the intron after coding-DNA position 1126, G replaced by C.
Molecular consequence: intron variant.
Genome position (GRCh38, 1-based): chr19:49,862,180, C>G on the plus strand (G>C on the coding strand, the complement: PNKP is on the minus strand). VCF-style: chr19-49862180-C-G. GRCh37 (hg19) VCF-style: chr19-50365437-C-G.
Identifiers: ClinVar variation 1219547 (VCV001219547.9), dbSNP rs1385764453, ClinGen allele CA883147045.
Genomic context (GRCh38, chr19:49,862,180, plus strand): 5'-GTGTCGGTGGGTGGCCTAGGACCCAGGCGGGGCTCAGGGCACGCGCACAGGAACAGGACA[C>G]TTACCCCCAGGGAATCCCACTGCGACAACCACCTCCGGGCTGGCGCTCAGGAGGGCCCTG-3'